The following is an entry in ClinVar:

NM_000355.4(TCN2):c.641G>T (p.Gly214Val)

Gene: TCN2 (transcobalamin 2; plus strand). Cytogenetic location: 22q12.2.
Variant type: single nucleotide variant.
Coding change: c.641G>T on transcript NM_000355.4 (MANE Select); coding-DNA position 641, G replaced by T.
Protein change: p.Gly214Val; replaces glycine 214 with valine.
Molecular consequence: missense variant.
Genome position (GRCh38, 1-based): chr22:30,615,361, G>T. VCF-style: chr22-30615361-G-T. GRCh37 (hg19) VCF-style: chr22-31011348-G-T.
Other names: c.560G>T, p.Gly187Val (NM_001184726.2); short protein forms G214V, G187V.
Identifiers: ClinVar variation 1953514 (VCV001953514.3), dbSNP rs372458211, ClinGen allele CA411212363.

ClinVar aggregate classification (germline): Uncertain significance (1 of 4 stars; one submission).

Conditions:
Transcobalamin II deficiency (TCN2D). Also called: Transcolabamin II deficiency; TC II DEFICIENCY; TCN2 DEFICIENCY. Identifiers: Orphanet 859, MedGen C0342701, MONDO:0010149, OMIM 275350.

Submission:

Labcorp Genetics (formerly Invitae), Labcorp
Classification: Uncertain significance for Transcobalamin II deficiency. Last evaluated: 2022-03-09. Review status: criteria provided, single submitter. Criteria: Invitae Variant Classification Sherloc (09022015). Collection method: clinical testing. Allele origin: germline.
Comment: In summary, the available evidence is currently insufficient to determine the role of this variant in disease. Therefore, it has been classified as a Variant of Uncertain Significance. Algorithms developed to predict the effect of missense changes on protein structure and function (SIFT, PolyPhen-2, Align-GVGD) all suggest that this variant is likely to be tolerated. This variant has not been reported in the literature in individuals affected with TCN2-related conditions. This variant is not present in population databases (gnomAD no frequency). This sequence change replaces glycine, which is neutral and non-polar, with valine, which is neutral and non-polar, at codon 214 of the TCN2 protein (p.Gly214Val).